The following is an entry in ClinVar:

NM_000040.3(APOC3):c.106A>G (p.Met36Val)

Gene: APOC3 (apolipoprotein C3; plus strand). Cytogenetic location: 11q23.3.
Variant type: single nucleotide variant.
Coding change: c.106A>G on transcript NM_000040.3 (MANE Select); coding-DNA position 106, A replaced by G.
Protein change: p.Met36Val; replaces methionine 36 with valine.
Molecular consequence: missense variant.
Genome position (GRCh38, 1-based): chr11:116,830,823, A>G. VCF-style: chr11-116830823-A-G. GRCh37 (hg19) VCF-style: chr11-116701539-A-G.
Other names: short protein forms M36V.
Identifiers: ClinVar variation 3613293 (VCV003613293.3).
Genomic context (GRCh38, chr11:116,830,823, plus strand): 5'-CTTTCCTCAGGAGCTTCAGAGGCCGAGGATGCCTCCCTTCTCAGCTTCATGCAGGGTTAC[A>G]TGAAGCACGCCACCAAGACCGCCAAGGATGCACTGAGCAGCGTGCAGGAGTCCCAGGTGG-3'
Protein context (NP_000031.1, residues 26-46): ASLLSFMQGY[Met36Val]KHATKTAKDA

ClinVar aggregate classification (germline): Uncertain significance. Review status: criteria provided, multiple submitters, no conflicts (2 of 4 stars). 2 submissions from 2 submitters: Uncertain significance (2). Last evaluated 2026-01-08.

gnomAD v4.1: 9 of 1,612,978 alleles (0.00056%); highest among the groups gnomAD compares: South Asian, 0.0011%; no homozygotes.

Submissions (2):

Women's Health and Genetics/Laboratory Corporation of America, LabCorp
Classification: Uncertain significance. Last evaluated: 2026-01-08. Review status: criteria provided, single submitter. Criteria: LabCorp Variant Classification Summary - May 2015. Collection method: clinical testing. Allele origin: germline.

Labcorp Genetics (formerly Invitae), Labcorp
Classification: Uncertain significance. Last evaluated: 2024-10-28. Review status: criteria provided, single submitter. Criteria: Invitae Variant Classification Sherloc (09022015). Collection method: clinical testing. Allele origin: germline.
Comment: This sequence change replaces methionine, which is neutral and non-polar, with valine, which is neutral and non-polar, at codon 36 of the APOC3 protein (p.Met36Val). This variant is present in population databases (no rsID available, gnomAD 0.0009%). This variant has not been reported in the literature in individuals affected with APOC3-related conditions. An algorithm developed to predict the effect of missense changes on protein structure and function outputs the following: PolyPhen-2: "Benign". The valine amino acid residue is found in multiple mammalian species, which suggests that this missense change does not adversely affect protein function. In summary, the available evidence is currently insufficient to determine the role of this variant in disease. Therefore, it has been classified as a Variant of Uncertain Significance.